The following is an entry in ClinVar:

NM_022436.3(ABCG5):c.1434C>T (p.Ala478=)

Genes: ABCG5 (ATP binding cassette subfamily G member 5; minus strand), DYNC2LI1 (dynein cytoplasmic 2 light intermediate chain 1; plus strand). Cytogenetic location: 2p21.
Variant type: single nucleotide variant.
Coding change: c.1434C>T on transcript NM_022436.3 (MANE Select); coding-DNA position 1434, C replaced by T.
Protein change: p.Ala478=; no amino-acid change (alanine 478 retained).
Molecular consequence: synonymous variant. On other transcripts: intron variant (2).
Genome position (GRCh38, 1-based): chr2:43,822,826, G>A on the plus strand (C>T on the coding strand, the complement: ABCG5 is on the minus strand). VCF-style: chr2-43822826-G-A. GRCh37 (hg19) VCF-style: chr2-44049965-G-A.
Other names: c.*16-4560G>A (NM_001348913.2, NM_001348912.2).
Identifiers: ClinVar variation 3349707 (VCV003349707.1).

ClinVar aggregate classification (germline): Likely benign (0 of 4 stars; one submission).

Conditions:
ABCG5-related disorder. Also called: ABCG5-related condition.

gnomAD v4.1: 3 of 1,614,022 alleles (0.00019%); highest among the groups gnomAD compares: South Asian, 0.0011%; no homozygotes.

Submission:

PreventionGenetics, part of Exact Sciences
Classification: Likely benign for ABCG5-related condition. Last evaluated: 2024-03-27. Review status: no assertion criteria provided. Collection method: clinical testing. Allele origin: germline.
Comment: This variant is classified as likely benign based on ACMG/AMP sequence variant interpretation guidelines (Richards et al. 2015 PMID: 25741868, with internal and published modifications).